The following is an entry in ClinVar:

NM_004655.4(AXIN2):c.119T>A (p.Val40Glu)

Gene: AXIN2 (axin 2; minus strand). Cytogenetic location: 17q24.1.
Variant type: single nucleotide variant.
Coding change: c.119T>A on transcript NM_004655.4 (MANE Select); coding-DNA position 119, T replaced by A.
Protein change: p.Val40Glu; replaces valine 40 with glutamic acid.
Molecular consequence: missense variant.
Genome position (GRCh38, 1-based): chr17:65,558,502, A>T on the plus strand (T>A on the coding strand, the complement: AXIN2 is on the minus strand). VCF-style: chr17-65558502-A-T. GRCh37 (hg19) VCF-style: chr17-63554620-A-T.
Other names: c.119T>A, p.Val40Glu (NM_001363813.1); short protein forms V40E.
Identifiers: ClinVar variation 1501604 (VCV001501604.8), dbSNP rs781560435, ClinGen allele CA400682131.

ClinVar aggregate classification (germline): Uncertain significance (1 of 4 stars; one submission).

Conditions:
Oligodontia-cancer predisposition syndrome. Also called: TOOTH AGENESIS-COLORECTAL CANCER SYNDROME. Identifiers: Orphanet 300576, MedGen C1837750, MONDO:0012075, OMIM 608615. Disease mechanism: loss of function.

Submission:

Labcorp Genetics (formerly Invitae), Labcorp
Classification: Uncertain significance for Oligodontia-cancer predisposition syndrome. Last evaluated: 2020-12-25. Review status: criteria provided, single submitter. Criteria: Invitae Variant Classification Sherloc (09022015). Collection method: clinical testing. Allele origin: germline.
Comment: In summary, the available evidence is currently insufficient to determine the role of this variant in disease. Therefore, it has been classified as a Variant of Uncertain Significance. Algorithms developed to predict the effect of missense changes on protein structure and function are either unavailable or do not agree on the potential impact of this missense change (SIFT: "Deleterious"; PolyPhen-2: "Benign"; Align-GVGD: "Class C0"). This variant has not been reported in the literature in individuals with AXIN2-related conditions. This variant is not present in population databases (ExAC no frequency). This sequence change replaces valine with glutamic acid at codon 40 of the AXIN2 protein (p.Val40Glu). The valine residue is weakly conserved and there is a moderate physicochemical difference between valine and glutamic acid.